The following is an entry in ClinVar:

ClinVar aggregate classification (germline): Uncertain significance (1 of 4 stars; one submission).

Conditions:
MHC class I deficiency. Identifiers: Orphanet 34592, MedGen C6024714, MONDO:0011476.

Submission:

Labcorp Genetics (formerly Invitae), Labcorp
Classification: Uncertain significance for MHC class I deficiency 1. Last evaluated: 2023-10-13. Review status: criteria provided, single submitter. Criteria: Invitae Variant Classification Sherloc (09022015). Collection method: clinical testing. Allele origin: germline.
Comment: This sequence change creates a premature translational stop signal (p.Gln743*) in the TAP1 gene. While this is not anticipated to result in nonsense mediated decay, it is expected to disrupt the last 66 amino acid(s) of the TAP1 protein. This variant is not present in population databases (gnomAD no frequency). This variant has not been reported in the literature in individuals affected with TAP1-related conditions. ClinVar contains an entry for this variant (Variation ID: 1346365). Experimental studies and prediction algorithms are not available or were not evaluated, and the functional significance of this variant is currently unknown. In summary, the available evidence is currently insufficient to determine the role of this variant in disease. Therefore, it has been classified as a Variant of Uncertain Significance.

NM_000593.6(TAP1):c.2047C>T (p.Gln683Ter)

Genes: PSMB8-AS1 (PSMB8 antisense RNA 1; plus strand), TAP1 (transporter 1, ATP binding cassette subfamily B member; minus strand). Cytogenetic location: 6p21.32.
Variant type: single nucleotide variant.
Coding change: c.2047C>T on transcript NM_000593.6 (MANE Select); coding-DNA position 2047, C replaced by T.
Protein change: p.Gln683Ter; replaces glutamine 683 with a stop codon.
Molecular consequence: nonsense. On other transcripts: non-coding transcript variant (4).
Genome position (GRCh38, 1-based): chr6:32,845,779, G>A on the plus strand (C>T on the coding strand, the complement: TAP1 is on the minus strand). VCF-style: chr6-32845779-G-A. GRCh37 (hg19) VCF-style: chr6-32813556-G-A.
Other names: c.1444C>T, p.Gln482Ter (NM_001292022.2); short protein forms Q482*, Q683*.
Identifiers: ClinVar variation 1346365 (VCV001346365.6), dbSNP rs1770340996, ClinGen allele CA363590644.